The following is an entry in ClinVar:

NM_006393.3(NEBL):c.456G>A (p.Met152Ile)

Gene: NEBL (nebulette; minus strand). Cytogenetic location: 10p12.31.
Variant type: single nucleotide variant.
Coding change: c.456G>A on transcript NM_006393.3 (MANE Select); coding-DNA position 456, G replaced by A.
Protein change: p.Met152Ile; replaces methionine 152 with isoleucine.
Molecular consequence: missense variant. On other transcripts: intron variant (9).
Genome position (GRCh38, 1-based): chr10:20,880,818, C>T on the plus strand (G>A on the coding strand, the complement: NEBL is on the minus strand). VCF-style: chr10-20880818-C-T. GRCh37 (hg19) VCF-style: chr10-21169747-C-T.
Other names: c.250-67878G>A (NM_001377326.1, NM_001377327.1, NM_001377328.1); c.358-67878G>A (NM_213569.2, NM_001173484.2, NM_001377322.1); c.301-67878G>A (NM_001377324.1); c.292-67878G>A (NM_001377325.1); c.310-67878G>A (NM_001377323.1); short protein forms M152I.
Identifiers: ClinVar variation 1415487 (VCV001415487.9), dbSNP rs1238447316, ClinGen allele CA376104470.

ClinVar aggregate classification (germline): Uncertain significance. Review status: criteria provided, multiple submitters, no conflicts (2 of 4 stars). 2 submissions from 2 submitters: Uncertain significance (2). Last evaluated 2026-01-10.

Conditions:
Primary dilated cardiomyopathy (DCM). Also called: Dilated Cardiomyopathy. Identifiers: Orphanet 217604, MedGen C0007193, MeSH D002311, MONDO:0005021, HP:0001644. Inheritance: Various modes of inheritance.

Allele frequency attached by ClinVar (database versions not stated): TOPMed below 0.00001.

Submissions (2):

Labcorp Genetics (formerly Invitae), Labcorp
Classification: Uncertain significance for Primary dilated cardiomyopathy. Last evaluated: 2026-01-10. Review status: criteria provided, single submitter. Criteria: Invitae Variant Classification Sherloc (09022015). Collection method: clinical testing. Allele origin: germline.
Comment: This sequence change replaces methionine, which is neutral and non-polar, with isoleucine, which is neutral and non-polar, at codon 152 of the NEBL protein (p.Met152Ile). This variant is not present in population databases (gnomAD no frequency). This variant has not been reported in the literature in individuals affected with NEBL-related conditions. ClinVar contains an entry for this variant (Variation ID: 1415487). An algorithm developed to predict the effect of missense changes on protein structure and function (PolyPhen-2) suggests that this variant is likely to be tolerated. In summary, the available evidence is currently insufficient to determine the role of this variant in disease. Therefore, it has been classified as a Variant of Uncertain Significance.

Women's Health and Genetics/Laboratory Corporation of America, LabCorp
Classification: Uncertain significance. Last evaluated: 2025-02-13. Review status: criteria provided, single submitter. Criteria: LabCorp Variant Classification Summary - May 2015. Collection method: clinical testing. Allele origin: germline.